The following is an entry in ClinVar:

ClinVar aggregate classification (germline): Uncertain significance (1 of 4 stars; one submission).

Conditions:
Fanconi anemia (FA). Also called: Fanconi's anemia. Identifiers: Orphanet 84, MedGen C0015625, MeSH D005199, MONDO:0019391.

Submission:

Labcorp Genetics (formerly Invitae), Labcorp
Classification: Uncertain significance for Fanconi anemia. Last evaluated: 2024-03-17. Review status: criteria provided, single submitter. Criteria: Invitae Variant Classification Sherloc (09022015). Collection method: clinical testing. Allele origin: germline.
Comment: This sequence change replaces arginine, which is basic and polar, with serine, which is neutral and polar, at codon 387 of the FANCB protein (p.Arg387Ser). This variant is not present in population databases (gnomAD no frequency). This variant has not been reported in the literature in individuals affected with FANCB-related conditions. Advanced modeling of protein sequence and biophysical properties (such as structural, functional, and spatial information, amino acid conservation, physicochemical variation, residue mobility, and thermodynamic stability) performed at Invitae indicates that this missense variant is not expected to disrupt FANCB protein function with a negative predictive value of 80%. In summary, the available evidence is currently insufficient to determine the role of this variant in disease. Therefore, it has been classified as a Variant of Uncertain Significance.

NM_001018113.3(FANCB):c.1159C>A (p.Arg387Ser)

Gene: FANCB (FA complementation group B; minus strand). Cytogenetic location: Xp22.2.
Variant type: single nucleotide variant.
Coding change: c.1159C>A on transcript NM_001018113.3 (MANE Select); coding-DNA position 1159, C replaced by A.
Protein change: p.Arg387Ser; replaces arginine 387 with serine.
Molecular consequence: missense variant.
Genome position (GRCh38, 1-based): chrX:14,857,900, G>T on the plus strand (C>A on the coding strand, the complement: FANCB is on the minus strand). VCF-style: chrX-14857900-G-T. GRCh37 (hg19) VCF-style: chrX-14876022-G-T.
Other names: c.1159C>A, p.Arg387Ser (NM_001324162.2, NM_001410764.1, NM_152633.4); short protein forms R387S.
Identifiers: ClinVar variation 3708403 (VCV003708403.2).